The following is an entry in ClinVar:

NM_014055.4(IFT81):c.586-3T>C

Gene: IFT81 (intraflagellar transport 81; plus strand). Cytogenetic location: 12q24.11.
Variant type: single nucleotide variant.
Coding change: c.586-3T>C on transcript NM_014055.4 (MANE Select); 3 bases into the intron before coding-DNA position 586, T replaced by C.
Molecular consequence: intron variant.
Genome position (GRCh38, 1-based): chr12:110,135,324, T>C. VCF-style: chr12-110135324-T-C. GRCh37 (hg19) VCF-style: chr12-110573129-T-C.
Other names: c.-181-3T>C (NM_001347948.2, NM_001347947.2); c.586-3T>C (NM_001143779.2, NM_031473.4, NM_001347946.2).
Identifiers: ClinVar variation 1351942 (VCV001351942.3), dbSNP rs1243528284, ClinGen allele CA607557895.

ClinVar aggregate classification (germline): Uncertain significance (1 of 4 stars; one submission).

Allele frequency attached by ClinVar (database versions not stated): gnomAD exomes below 0.00001; gnomAD 0.00001 and 0.00002; TOPMed 0.00001.
gnomAD v4.1: 5 of 1,584,874 alleles (0.00032%); highest among the groups gnomAD compares: Admixed American, 0.0054%; no homozygotes.

Submission:

Labcorp Genetics (formerly Invitae), Labcorp
Classification: Uncertain significance. Last evaluated: 2022-03-09. Review status: criteria provided, single submitter. Criteria: Invitae Variant Classification Sherloc (09022015). Collection method: clinical testing. Allele origin: germline.
Comment: This sequence change falls in intron 6 of the IFT81 gene. It does not directly change the encoded amino acid sequence of the IFT81 protein. It affects a nucleotide within the consensus splice site. The frequency data for this variant in the population databases is considered unreliable, as metrics indicate poor data quality at this position in the gnomAD database. This variant has not been reported in the literature in individuals affected with IFT81-related conditions. Variants that disrupt the consensus splice site are a relatively common cause of aberrant splicing (PMID: 17576681, 9536098). Algorithms developed to predict the effect of sequence changes on RNA splicing suggest that this variant is not likely to affect RNA splicing. In summary, the available evidence is currently insufficient to determine the role of this variant in disease. Therefore, it has been classified as a Variant of Uncertain Significance.

Literature cited by the submitters: PubMed 17576681; PubMed 9536098.